The following is an entry in ClinVar:

ClinVar aggregate classification (germline): Conflicting classifications of pathogenicity. Review status: criteria provided, conflicting classifications (1 of 4 stars). 4 submissions from 4 submitters: Uncertain significance (1); Likely benign (3). Last evaluated 2024-05-14.

Conditions:
Hereditary cancer-predisposing syndrome. Also called: Tumor predisposition; Neoplastic Syndromes, Hereditary; Hereditary Cancer Syndrome; Hereditary neoplastic syndrome. Identifiers: Orphanet 140162, MedGen C0027672, MeSH D009386, MONDO:0015356.
Familial colorectal cancer type X. Identifiers: Orphanet 440437, MedGen C3896578, MONDO:0018604.
Familial cancer of breast. Also called: BREAST CANCER, FAMILIAL; Hereditary breast cancer; hereditary breast carcinoma. Identifiers: Orphanet 227535, MedGen C0346153, MONDO:0016419, OMIM 114480. Disease mechanism: loss of function.
Ataxia-telangiectasia syndrome (AT). Also called: ATAXIA-TELANGIECTASIA, COMPLEMENTATION GROUP A; ATAXIA-TELANGIECTASIA, FRESNO VARIANT; LOUIS-BAR SYNDROME; Ataxia telangiectasia (A-T); Cerebello-oculocutaneous telangiectasia; Immunodeficiency with ataxia telangiectasia. Identifiers: Orphanet 100, MedGen C0004135, MONDO:0008840, OMIM 208900.

Allele frequency attached by ClinVar (database versions not stated): gnomAD exomes 0.00001.
gnomAD v4.1: 8 of 1,591,820 alleles (0.0005%); highest among the groups gnomAD compares: Non-Finnish European, 0.00069%; no homozygotes.

Submissions (4):

Myriad Genetics, Inc.
Classification: Likely benign for Familial cancer of breast. Last evaluated: 2024-05-14. Review status: criteria provided, single submitter. Criteria: Myriad Autosomal Dominant, Autosomal Recessive and X-Linked Classification Criteria (2023). Collection method: clinical testing. Allele origin: unknown.
Comment: This variant is considered likely benign. This variant is intronic and is not expected to impact mRNA splicing.

Labcorp Genetics (formerly Invitae), Labcorp
Classification: Likely benign for Ataxia-telangiectasia syndrome. Last evaluated: 2023-03-27. Review status: criteria provided, single submitter. Criteria: Invitae Variant Classification Sherloc (09022015). Collection method: clinical testing. Allele origin: germline.

Department of Pathology and Laboratory Medicine, Sinai Health System
Classification: Likely benign for Familial colorectal cancer type X. Last evaluated: 2022-10-28. Review status: criteria provided, single submitter. Criteria: ACMG Guidelines, 2015. Collection method: clinical testing. Allele origin: germline. Affected: yes.

Color Diagnostics, LLC DBA Color Health
Classification: Uncertain significance for Hereditary cancer-predisposing syndrome. Last evaluated: 2018-08-06. Review status: criteria provided, single submitter. Criteria: ACMG Guidelines, 2015. Collection method: clinical testing. Allele origin: germline.

NM_000051.4(ATM):c.3285-7T>C

Gene: ATM (ATM serine/threonine kinase; plus strand). Cytogenetic location: 11q22.3.
Variant type: single nucleotide variant.
Coding change: c.3285-7T>C on transcript NM_000051.4 (MANE Select); 7 bases into the intron before coding-DNA position 3285, T replaced by C.
Molecular consequence: intron variant.
Genome position (GRCh38, 1-based): chr11:108,279,484, T>C. VCF-style: chr11-108279484-T-C. GRCh37 (hg19) VCF-style: chr11-108150211-T-C.
Other names: c.3285-7T>C (NM_001351834.2, NM_000051.2).
Identifiers: ClinVar variation 628974 (VCV000628974.12), dbSNP rs913535107, ClinGen allele CA228363320.